The following continues an entry in ClinVar:

NM_002641.4(PIGA):c.55C>T (p.Arg19Trp)

Gene: PIGA. ClinVar aggregate classification (germline): Benign. Benign (7).

Submissions 32 to 67 of 86:

Dr. Peter K. Rogan Lab, Western University
No classification provided (evidence only). Condition: Colon adenocarcinoma. Review status: no classification provided. Collection method: in vitro. Allele origin: not applicable. Functional consequence: retained intron. Not counted in ClinVar's aggregate classification.

Dr. Peter K. Rogan Lab, Western University
No classification provided (evidence only). Condition: Colon adenocarcinoma. Review status: no classification provided. Collection method: in vitro. Allele origin: not applicable. Functional consequence: retained intron. Not counted in ClinVar's aggregate classification.

Dr. Peter K. Rogan Lab, Western University
No classification provided (evidence only). Condition: Colon adenocarcinoma. Review status: no classification provided. Collection method: in vitro. Allele origin: not applicable. Functional consequence: retained intron. Not counted in ClinVar's aggregate classification.

Dr. Peter K. Rogan Lab, Western University
No classification provided (evidence only). Condition: Colon adenocarcinoma. Review status: no classification provided. Collection method: in vitro. Allele origin: not applicable. Functional consequence: retained intron. Not counted in ClinVar's aggregate classification.

Dr. Peter K. Rogan Lab, Western University
No classification provided (evidence only). Condition: Colon adenocarcinoma. Review status: no classification provided. Collection method: in vitro. Allele origin: not applicable. Functional consequence: retained intron. Not counted in ClinVar's aggregate classification.

Dr. Peter K. Rogan Lab, Western University
No classification provided (evidence only). Condition: Colon adenocarcinoma. Review status: no classification provided. Collection method: in vitro. Allele origin: not applicable. Functional consequence: retained intron. Not counted in ClinVar's aggregate classification.

Dr. Peter K. Rogan Lab, Western University
No classification provided (evidence only). Condition: Colorectal cancer. Review status: no classification provided. Collection method: in vitro. Allele origin: not applicable. Functional consequence: retained intron. Not counted in ClinVar's aggregate classification.

Dr. Peter K. Rogan Lab, Western University
No classification provided (evidence only). Condition: Uterine corpus endometrial carcinoma. Review status: no classification provided. Collection method: in vitro. Allele origin: not applicable. Functional consequence: retained intron. Not counted in ClinVar's aggregate classification.

Dr. Peter K. Rogan Lab, Western University
No classification provided (evidence only). Condition: Uterine corpus endometrial carcinoma. Review status: no classification provided. Collection method: in vitro. Allele origin: not applicable. Functional consequence: retained intron. Not counted in ClinVar's aggregate classification.

Dr. Peter K. Rogan Lab, Western University
No classification provided (evidence only). Condition: Uterine corpus endometrial carcinoma. Review status: no classification provided. Collection method: in vitro. Allele origin: not applicable. Functional consequence: retained intron. Not counted in ClinVar's aggregate classification.

Dr. Peter K. Rogan Lab, Western University
No classification provided (evidence only). Condition: Uterine corpus endometrial carcinoma. Review status: no classification provided. Collection method: in vitro. Allele origin: not applicable. Functional consequence: retained intron. Not counted in ClinVar's aggregate classification.

Dr. Peter K. Rogan Lab, Western University
No classification provided (evidence only). Condition: Uterine corpus endometrial carcinoma. Review status: no classification provided. Collection method: in vitro. Allele origin: not applicable. Functional consequence: retained intron. Not counted in ClinVar's aggregate classification.

Dr. Peter K. Rogan Lab, Western University
No classification provided (evidence only). Condition: Uterine corpus endometrial carcinoma. Review status: no classification provided. Collection method: in vitro. Allele origin: not applicable. Functional consequence: retained intron. Not counted in ClinVar's aggregate classification.

Dr. Peter K. Rogan Lab, Western University
No classification provided (evidence only). Condition: Uterine corpus endometrial carcinoma. Review status: no classification provided. Collection method: in vitro. Allele origin: not applicable. Functional consequence: retained intron. Not counted in ClinVar's aggregate classification.

Dr. Peter K. Rogan Lab, Western University
No classification provided (evidence only). Condition: Uterine corpus endometrial carcinoma. Review status: no classification provided. Collection method: in vitro. Allele origin: not applicable. Functional consequence: retained intron. Not counted in ClinVar's aggregate classification.

Dr. Peter K. Rogan Lab, Western University
No classification provided (evidence only). Condition: Uterine corpus endometrial carcinoma. Review status: no classification provided. Collection method: in vitro. Allele origin: not applicable. Functional consequence: retained intron. Not counted in ClinVar's aggregate classification.

Dr. Peter K. Rogan Lab, Western University
No classification provided (evidence only). Condition: Malignant lymphoma, large B-cell, diffuse. Review status: no classification provided. Collection method: in vitro. Allele origin: not applicable. Functional consequence: retained intron. Not counted in ClinVar's aggregate classification.

Dr. Peter K. Rogan Lab, Western University
No classification provided (evidence only). Condition: Hepatocellular carcinoma. Review status: no classification provided. Collection method: in vitro. Allele origin: not applicable. Functional consequence: retained intron. Not counted in ClinVar's aggregate classification.

Dr. Peter K. Rogan Lab, Western University
No classification provided (evidence only). Condition: Hepatocellular carcinoma. Review status: no classification provided. Collection method: in vitro. Allele origin: not applicable. Functional consequence: retained intron. Not counted in ClinVar's aggregate classification.

Dr. Peter K. Rogan Lab, Western University
No classification provided (evidence only). Condition: Nonpapillary renal cell carcinoma. Review status: no classification provided. Collection method: in vitro. Allele origin: not applicable. Functional consequence: retained intron. Not counted in ClinVar's aggregate classification.

Dr. Peter K. Rogan Lab, Western University
No classification provided (evidence only). Condition: Nonpapillary renal cell carcinoma. Review status: no classification provided. Collection method: in vitro. Allele origin: not applicable. Functional consequence: retained intron. Not counted in ClinVar's aggregate classification.

Dr. Peter K. Rogan Lab, Western University
No classification provided (evidence only). Condition: Nonpapillary renal cell carcinoma. Review status: no classification provided. Collection method: in vitro. Allele origin: not applicable. Functional consequence: retained intron. Not counted in ClinVar's aggregate classification.

Dr. Peter K. Rogan Lab, Western University
No classification provided (evidence only). Condition: Nonpapillary renal cell carcinoma. Review status: no classification provided. Collection method: in vitro. Allele origin: not applicable. Functional consequence: retained intron. Not counted in ClinVar's aggregate classification.

Dr. Peter K. Rogan Lab, Western University
No classification provided (evidence only). Condition: Nonpapillary renal cell carcinoma. Review status: no classification provided. Collection method: in vitro. Allele origin: not applicable. Functional consequence: skipped exon, retained intron. Not counted in ClinVar's aggregate classification.

Dr. Peter K. Rogan Lab, Western University
No classification provided (evidence only). Condition: Nonpapillary renal cell carcinoma. Review status: no classification provided. Collection method: in vitro. Allele origin: not applicable. Functional consequence: retained intron. Not counted in ClinVar's aggregate classification.

Dr. Peter K. Rogan Lab, Western University
No classification provided (evidence only). Condition: Nonpapillary renal cell carcinoma. Review status: no classification provided. Collection method: in vitro. Allele origin: not applicable. Functional consequence: retained intron. Not counted in ClinVar's aggregate classification.

Dr. Peter K. Rogan Lab, Western University
No classification provided (evidence only). Condition: Thymoma. Review status: no classification provided. Collection method: in vitro. Allele origin: not applicable. Functional consequence: retained intron. Not counted in ClinVar's aggregate classification.

Dr. Peter K. Rogan Lab, Western University
No classification provided (evidence only). Condition: Thymoma. Review status: no classification provided. Collection method: in vitro. Allele origin: not applicable. Functional consequence: retained intron. Not counted in ClinVar's aggregate classification.

Dr. Peter K. Rogan Lab, Western University
No classification provided (evidence only). Condition: Cholangiocarcinoma. Review status: no classification provided. Collection method: in vitro. Allele origin: not applicable. Functional consequence: retained intron. Not counted in ClinVar's aggregate classification.

Dr. Peter K. Rogan Lab, Western University
No classification provided (evidence only). Condition: Uterine carcinosarcoma. Review status: no classification provided. Collection method: in vitro. Allele origin: not applicable. Functional consequence: retained intron. Not counted in ClinVar's aggregate classification.

Dr. Peter K. Rogan Lab, Western University
No classification provided (evidence only). Condition: Uveal melanoma. Review status: no classification provided. Collection method: in vitro. Allele origin: not applicable. Functional consequence: retained intron. Not counted in ClinVar's aggregate classification.

Dr. Peter K. Rogan Lab, Western University
No classification provided (evidence only). Condition: Uveal melanoma. Review status: no classification provided. Collection method: in vitro. Allele origin: not applicable. Functional consequence: retained intron. Not counted in ClinVar's aggregate classification.

Dr. Peter K. Rogan Lab, Western University
No classification provided (evidence only). Condition: Uveal melanoma. Review status: no classification provided. Collection method: in vitro. Allele origin: not applicable. Functional consequence: skipped exon, retained intron. Not counted in ClinVar's aggregate classification.

Dr. Peter K. Rogan Lab, Western University
No classification provided (evidence only). Condition: Malignant tumor of esophagus. Review status: no classification provided. Collection method: in vitro. Allele origin: not applicable. Functional consequence: retained intron. Not counted in ClinVar's aggregate classification.

Dr. Peter K. Rogan Lab, Western University
No classification provided (evidence only). Condition: Malignant tumor of esophagus. Review status: no classification provided. Collection method: in vitro. Allele origin: not applicable. Functional consequence: skipped exon, retained intron. Not counted in ClinVar's aggregate classification.

Dr. Peter K. Rogan Lab, Western University
No classification provided (evidence only). Condition: Malignant tumor of esophagus. Review status: no classification provided. Collection method: in vitro. Allele origin: not applicable. Functional consequence: retained intron. Not counted in ClinVar's aggregate classification.